The following is an entry in ClinVar:

NM_001005273.3(CHD3):c.70C>T (p.Pro24Ser)

Gene: CHD3 (chromodomain helicase DNA binding protein 3; plus strand). Cytogenetic location: 17p13.1.
Variant type: single nucleotide variant.
Coding change: c.70C>T on transcript NM_001005273.3 (MANE Select); coding-DNA position 70, C replaced by T.
Protein change: p.Pro24Ser; replaces proline 24 with serine.
Molecular consequence: missense variant. On other transcripts: intron variant (1).
Genome position (GRCh38, 1-based): chr17:7,889,070, C>T. VCF-style: chr17-7889070-C-T. GRCh37 (hg19) VCF-style: chr17-7792388-C-T.
Other names: c.70C>T, p.Pro24Ser (NM_005852.4); c.278-594C>T (NM_001005271.3); short protein forms P24S.
Identifiers: ClinVar variation 3336340 (VCV003336340.1).

ClinVar aggregate classification (germline): Uncertain significance (1 of 4 stars; one submission).

gnomAD v4.1: 32 of 1,614,208 alleles (0.002%); highest among the groups gnomAD compares: South Asian, 0.0055%; no homozygotes.

Submission:

Women's Health and Genetics/Laboratory Corporation of America, LabCorp
Classification: Uncertain significance. Last evaluated: 2024-05-28. Review status: criteria provided, single submitter. Criteria: LabCorp Variant Classification Summary - May 2015. Collection method: clinical testing. Allele origin: germline.
Comment: Variant summary: CHD3 c.70C>T (p.Pro24Ser) results in a non-conservative amino acid change in the encoded protein sequence. Four of five in-silico tools predict a benign effect of the variant on protein function. The variant allele was found at a frequency of 1.2e-05 in 251468 control chromosomes. The available data on variant occurrences in the general population are insufficient to allow any conclusion about variant significance. To our knowledge, no occurrence of c.70C>T in individuals affected with Snijders Blok-Campeau Syndrome and no experimental evidence demonstrating its impact on protein function have been reported. No submitters have cited clinical-significance assessments for this variant to ClinVar. Based on the evidence outlined above, the variant was classified as uncertain significance.